The following is an entry in ClinVar:

ClinVar aggregate classification (germline): Uncertain significance (1 of 4 stars; one submission).

Conditions:
Pigmentary pallidal degeneration (NBIA1). Also called: PKAN NEUROAXONAL DYSTROPHY, JUVENILE-ONSET; HARP SYNDROME; Pantothenate Kinase-Associated Neurodegeneration; Neuroaxonal dystrophy, late infantile; Hallervorden-Spatz disease; Neurodegeneration with brain iron accumulation 1. Identifiers: Orphanet 157850, MedGen C0018523, MONDO:0009319, OMIM 234200.

Submission:

Labcorp Genetics (formerly Invitae), Labcorp
Classification: Uncertain significance for Pigmentary pallidal degeneration. Last evaluated: 2023-06-07. Review status: criteria provided, single submitter. Criteria: Invitae Variant Classification Sherloc (09022015). Collection method: clinical testing. Allele origin: germline.
Comment: In summary, the available evidence is currently insufficient to determine the role of this variant in disease. Therefore, it has been classified as a Variant of Uncertain Significance. This sequence change replaces glutamic acid, which is acidic and polar, with aspartic acid, which is acidic and polar, at codon 241 of the PANK2 protein (p.Glu241Asp). This variant is not present in population databases (gnomAD no frequency). This missense change has been observed in individual(s) with clinical features of neurodegeneration with brain iron accumulation (Invitae). In at least one individual the data is consistent with being in trans (on the opposite chromosome) from a pathogenic variant. Advanced modeling of protein sequence and biophysical properties (such as structural, functional, and spatial information, amino acid conservation, physicochemical variation, residue mobility, and thermodynamic stability) has been performed at Invitae for this missense variant, however the output from this modeling did not meet the statistical confidence thresholds required to predict the impact of this variant on PANK2 protein function. This variant disrupts the p.Glu241 amino acid residue in PANK2. Other variant(s) that disrupt this residue have been observed in individuals with PANK2-related conditions (PMID: 28881514), which suggests that this may be a clinically significant amino acid residue.

Literature cited by the submitters: PubMed 28881514.

NM_001386393.1(PANK2):c.393A>C (p.Glu131Asp)

Gene: PANK2 (pantothenate kinase 2; plus strand). Cytogenetic location: 20p13.
Variant type: single nucleotide variant.
Coding change: c.393A>C on transcript NM_001386393.1 (MANE Select); coding-DNA position 393, A replaced by C.
Protein change: p.Glu131Asp; replaces glutamic acid 131 with aspartic acid.
Molecular consequence: missense variant. On other transcripts: 5 prime UTR variant (4), non-coding transcript variant (1).
Genome position (GRCh38, 1-based): chr20:3,908,020, A>C. VCF-style: chr20-3908020-A-C. GRCh37 (hg19) VCF-style: chr20-3888667-A-C.
Other names: c.-151A>C (NM_001324191.2, NM_024960.6, NM_153640.4); c.723A>C, p.Glu241Asp (NM_001324192.1, NM_153638.4); c.-443A>C (NM_001324193.2); short protein forms E131D, E241D.
Identifiers: ClinVar variation 2910347 (VCV002910347.3), dbSNP rs2515489928, ClinGen allele CA408112353.